The following is an entry in ClinVar:

NM_000719.7(CACNA1C):c.4828+1G>A

Gene: CACNA1C (calcium voltage-gated channel subunit alpha1 C; plus strand). Cytogenetic location: 12p13.33.
Variant type: single nucleotide variant.
Coding change: c.4828+1G>A on transcript NM_000719.7 (MANE Select); the canonical splice donor site of the intron after coding-DNA position 4828, G replaced by A.
Molecular consequence: splice donor variant.
Genome position (GRCh38, 1-based): chr12:2,674,643, G>A. VCF-style: chr12-2674643-G-A. GRCh37 (hg19) VCF-style: chr12-2783809-G-A.
Other names: c.4828+1G>A (NM_001167624.3, NM_001167623.2, NM_001129840.2 and 4 more transcripts); c.4795+1G>A (NM_001167625.2, NM_001129846.2); c.4972+1G>A (NM_199460.4, NM_001129827.2); c.4888+1G>A (NM_001129832.2); c.4912+1G>A (NM_001129831.2); c.4885+1G>A (NM_001129833.2, NM_001129834.2, NM_001129835.2); c.4951+1G>A (NM_001129829.2); c.4852+1G>A (NM_001129837.2, NM_001129838.2); and 3 more.
Identifiers: ClinVar variation 1677494 (VCV001677494.7), dbSNP rs2153757423, ClinGen allele CA383377872.

ClinVar aggregate classification (germline): Uncertain significance. Review status: criteria provided, multiple submitters, no conflicts (2 of 4 stars). 4 submissions from 4 submitters: Uncertain significance (4). Last evaluated 2023-10-29.

Conditions:
Cardiovascular phenotype. Identifiers: MedGen CN230736.
Long QT syndrome (LQTS). Identifiers: MedGen C0023976, MeSH D008133, MONDO:0002442. Disease mechanism: loss of function. Inheritance: Various modes of inheritance.
Brugada syndrome 3 (BRGDA3). Identifiers: Orphanet 130, MedGen C2678478, MONDO:0012742, OMIM 611875.
Timothy syndrome (TS). Also called: LONG QT SYNDROME WITH SYNDACTYLY. Identifiers: Orphanet 65283, MedGen C1832916, MeSH C536962, MONDO:0010979, OMIM 601005.
Long QT syndrome 8. Identifiers: MedGen CN260585, MONDO:0032756, OMIM 618447.

Submissions (4):

Labcorp Genetics (formerly Invitae), Labcorp
Classification: Uncertain significance for Long QT syndrome. Last evaluated: 2023-10-29. Review status: criteria provided, single submitter. Criteria: Invitae Variant Classification Sherloc (09022015). Collection method: clinical testing. Allele origin: germline.
Comment: This sequence change affects a donor splice site in intron 39 of the CACNA1C gene. It is expected to disrupt RNA splicing. Variants that disrupt the donor or acceptor splice site typically lead to a loss of protein function (PMID: 16199547), however the current clinical and genetic evidence is not sufficient to establish whether loss-of-function variants in CACNA1C cause disease. This variant is not present in population databases (gnomAD no frequency). This variant has not been reported in the literature in individuals affected with CACNA1C-related conditions. ClinVar contains an entry for this variant (Variation ID: 1677494). Algorithms developed to predict the effect of sequence changes on RNA splicing suggest that this variant may disrupt the consensus splice site. In summary, the available evidence is currently insufficient to determine the role of this variant in disease. Therefore, it has been classified as a Variant of Uncertain Significance.

Ambry Genetics
Classification: Uncertain significance for Cardiovascular phenotype. Last evaluated: 2023-03-31. Review status: criteria provided, single submitter. Criteria: Ambry Variant Classification Scheme 2023. Collection method: clinical testing. Allele origin: germline.
Comment: The c.4828+1G>A intronic variant results from a G to A substitution one nucleotide after coding exon 39 of the CACNA1C gene. Alterations that disrupt the canonical splice site are expected to result in aberrant splicing. In silico splice site analysis predicts that this alteration will weaken the native splice donor site and will result in the creation or strengthening of a novel splice donor site. The resulting transcript is predicted to be in-frame and is not expected to trigger nonsense-mediated mRNAdecay; however, direct evidence is unavailable. The exact functional effect of the altered amino acid sequence is unknown. This nucleotide position is highly conserved in available vertebrate species. Since supporting evidence is limited at this time, the clinical significance of this alteration remains unclear.

Fulgent Genetics
Classification: Uncertain significance for Timothy syndrome; Brugada syndrome 3; Long QT syndrome 8. Last evaluated: 2021-10-25. Review status: criteria provided, single submitter. Criteria: ACMG Guidelines, 2015. Collection method: clinical testing. Allele origin: unknown.

AiLife Diagnostics
Classification: Uncertain significance. Last evaluated: 2021-09-11. Review status: criteria provided, single submitter. Criteria: ACMG Guidelines, 2015. Collection method: clinical testing. Allele origin: germline. Affected: yes. Observed: 1 variant allele.

Literature cited by the submitters: PubMed 16199547 (cited by Labcorp Genetics (formerly Invitae), Labcorp).